The following is an entry in ClinVar:

NM_001378120.1(MBD5):c.1304C>T (p.Ser435Phe)

Gene: MBD5 (methyl-CpG binding domain protein 5; plus strand). Cytogenetic location: 2q23.1.
Variant type: single nucleotide variant.
Coding change: c.1304C>T on transcript NM_001378120.1 (MANE Select); coding-DNA position 1304, C replaced by T.
Protein change: p.Ser435Phe; replaces serine 435 with phenylalanine.
Molecular consequence: missense variant.
Genome position (GRCh38, 1-based): chr2:148,469,247, C>T. VCF-style: chr2-148469247-C-T. GRCh37 (hg19) VCF-style: chr2-149226816-C-T.
Other names: c.1304C>T, p.Ser435Phe (NM_018328.5); short protein forms S435F.
Identifiers: ClinVar variation 468769 (VCV000468769.14), dbSNP rs768225923, ClinGen allele CA1899995.
Genomic context (GRCh38, chr2:148,469,247, plus strand): 5'-GTCACATGAATCATGGGAGTCATGTACAAAGAGTTCAGCATTCAGCTTCAACCTCCCTGT[C>T]CCCTTCTCCAGTGACATCCCCCGTGCACATGATGGGGACTGGAATTGGAAGGATTGAGGC-3'
Protein context (NP_001365049.1, residues 425-445): RVQHSASTSL[Ser435Phe]PSPVTSPVHM

ClinVar aggregate classification (germline): Conflicting classifications of pathogenicity. Review status: criteria provided, conflicting classifications (1 of 4 stars). 2 submissions from 2 submitters: Uncertain significance (1); Likely benign (1). Last evaluated 2025-03-23.

Conditions:
Inborn genetic diseases. Identifiers: MedGen C0950123, MeSH D030342.
Intellectual disability. Also called: intellectual disabilities; Intellectual developmental disorder; Intellectual functioning disability. Identifiers: MedGen C3714756, MeSH D008607, MONDO:0001071, HP:0001249.
Intellectual developmental disorder, autosomal dominant 1. Also called: MBD5 Haploinsufficiency; Intellectual disability, autosomal dominant 1. Identifiers: Orphanet 228402, MedGen C1969562, MONDO:0007974, OMIM 156200.

Allele frequency attached by ClinVar (database versions not stated): gnomAD 0.00003; gnomAD exomes 0.00003 and 0.00009; ExAC 0.00002; TOPMed 0.00002.
gnomAD v4.1: 131 of 1,613,890 alleles (0.0081%); highest among the groups gnomAD compares: Non-Finnish European, 0.011%; no homozygotes.

Submissions (2):

Labcorp Genetics (formerly Invitae), Labcorp
Classification: Likely benign for Intellectual developmental disorder, autosomal dominant 1. Last evaluated: 2025-03-23. Review status: criteria provided, single submitter. Criteria: Invitae Variant Classification Sherloc (09022015). Collection method: clinical testing. Allele origin: germline.

Ambry Genetics
Classification: Uncertain significance for Inborn genetic diseases. Last evaluated: 2018-04-02. Review status: criteria provided, single submitter. Criteria: Ambry Variant Classification Scheme 2023. Collection method: clinical testing. Allele origin: germline.
Comment: The p.S435F variant (also known as c.1304C>T), located in coding exon 4 of the MBD5 gene, results from a C to T substitution at nucleotide position 1304. The serine at codon 435 is replaced by phenylalanine, an amino acid with highly dissimilar properties. This amino acid position is highly conserved in available vertebrate species. In addition, the in silico prediction for this alteration is inconclusive. Since supporting evidence is limited at this time, the clinical significance of this alteration remains unclear.